The following is an entry in ClinVar:

NM_006017.3(PROM1):c.1563C>A (p.Ser521Arg)

Gene: PROM1 (prominin 1; minus strand). Cytogenetic location: 4p15.32.
Variant type: single nucleotide variant.
Coding change: c.1563C>A on transcript NM_006017.3 (MANE Select); coding-DNA position 1563, C replaced by A.
Protein change: p.Ser521Arg; replaces serine 521 with arginine.
Molecular consequence: missense variant.
Genome position (GRCh38, 1-based): chr4:16,000,511, G>T on the plus strand (C>A on the coding strand, the complement: PROM1 is on the minus strand). VCF-style: chr4-16000511-G-T. GRCh37 (hg19) VCF-style: chr4-16002134-G-T.
Other names: c.1536C>A, p.Ser512Arg (NM_001145847.2, NM_001145848.2, NM_001145851.2 and 4 more transcripts); c.1563C>A, p.Ser521Arg (NM_001145849.2, NM_001145850.2); short protein forms S521R, S512R.
Identifiers: ClinVar variation 938318 (VCV000938318.10), dbSNP rs919737536, ClinGen allele CA356433002.

ClinVar aggregate classification (germline): Uncertain significance. Review status: criteria provided, multiple submitters, no conflicts (2 of 4 stars). 2 submissions from 2 submitters: Uncertain significance (2). Last evaluated 2024-12-23.

Conditions:
Inborn genetic diseases. Identifiers: MedGen C0950123, MeSH D030342.

Allele frequency attached by ClinVar (database versions not stated): gnomAD exomes below 0.00001.
gnomAD v4.1: 1 of 1,590,844 alleles (0.000063%); highest among the groups gnomAD compares: Admixed American, 0.0017%; no homozygotes.

Submissions (2):

Ambry Genetics
Classification: Uncertain significance for Inborn genetic diseases. Last evaluated: 2024-12-23. Review status: criteria provided, single submitter. Criteria: Ambry Variant Classification Scheme 2023. Collection method: clinical testing. Allele origin: germline.

Labcorp Genetics (formerly Invitae), Labcorp
Classification: Uncertain significance. Last evaluated: 2019-09-27. Review status: criteria provided, single submitter. Criteria: Invitae Variant Classification Sherloc (09022015). Collection method: clinical testing. Allele origin: germline.
Comment: This sequence change replaces serine with arginine at codon 521 of the PROM1 protein (p.Ser521Arg). The serine residue is weakly conserved and there is a moderate physicochemical difference between serine and arginine. This variant is not present in population databases (ExAC no frequency). This variant has not been reported in the literature in individuals with PROM1-related conditions. Algorithms developed to predict the effect of missense changes on protein structure and function are either unavailable or do not agree on the potential impact of this missense change (SIFT: "Deleterious"; PolyPhen-2: "Possibly Damaging"; Align-GVGD: "Class C0"). In summary, the available evidence is currently insufficient to determine the role of this variant in disease. Therefore, it has been classified as a Variant of Uncertain Significance.